The following is an entry in ClinVar:

NM_000179.3(MSH6):c.1592C>T (p.Pro531Leu)

Gene: MSH6 (mutS homolog 6; plus strand). Cytogenetic location: 2p16.3.
Variant type: single nucleotide variant.
Coding change: c.1592C>T on transcript NM_000179.3 (MANE Select); coding-DNA position 1592, C replaced by T.
Protein change: p.Pro531Leu; replaces proline 531 with leucine.
Molecular consequence: missense variant. On other transcripts: non-coding transcript variant (4), intron variant (1).
Genome position (GRCh38, 1-based): chr2:47,799,575, C>T. VCF-style: chr2-47799575-C-T. GRCh37 (hg19) VCF-style: chr2-48026714-C-T.
Other names: c.1202C>T, p.Pro401Leu (NM_001281492.2); c.686C>T, p.Pro229Leu (NM_001281493.2, NM_001281494.2, NM_001406811.1 and 6 more transcripts); c.1688C>T, p.Pro563Leu (NM_001406795.1, NM_001406802.1); c.1592C>T, p.Pro531Leu (NM_001406796.1, NM_001406798.1, NM_001406800.1 and 4 more transcripts); c.1295C>T, p.Pro432Leu (NM_001406797.1, NM_001406801.1, NM_001406805.1 and 10 more transcripts); c.1067C>T, p.Pro356Leu (NM_001406799.1, NM_001406806.1, NM_001406807.1); c.1514C>T, p.Pro505Leu (NM_001406804.1); c.1598C>T, p.Pro533Leu (NM_001406813.1); and 2 more; short protein forms P229L, P356L, P401L, P432L, P475L, P505L, P531L, P533L.
Identifiers: ClinVar variation 3230509 (VCV003230509.1), dbSNP rs2104353860, ClinGen allele CA346746912.

ClinVar aggregate classification (germline): Uncertain significance (1 of 4 stars; one submission).

Conditions:
Hereditary cancer-predisposing syndrome. Also called: Neoplastic Syndromes, Hereditary; Tumor predisposition; Hereditary neoplastic syndrome; Hereditary Cancer Syndrome. Identifiers: Orphanet 140162, MedGen C0027672, MeSH D009386, MONDO:0015356.

Allele frequency attached by ClinVar (database versions not stated): gnomAD exomes below 0.00001.
gnomAD v4.1: 2 of 1,614,072 alleles (0.00012%); highest among the groups gnomAD compares: Non-Finnish European, 0.00017%; no homozygotes.

Submission:

Ambry Genetics
Classification: Uncertain significance for Hereditary cancer-predisposing syndrome. Last evaluated: 2024-03-05. Review status: criteria provided, single submitter. Criteria: Ambry Variant Classification Scheme 2023. Collection method: clinical testing. Allele origin: germline.
Comment: The p.P531L variant (also known as c.1592C>T), located in coding exon 4 of the MSH6 gene, results from a C to T substitution at nucleotide position 1592. The proline at codon 531 is replaced by leucine, an amino acid with similar properties. This amino acid position is well conserved in available vertebrate species. In addition, the in silico prediction for this alteration is inconclusive. Based on the available evidence, the clinical significance of this alteration remains unclear.